The following is an entry in ClinVar:

NM_080680.3(COL11A2):c.2016+5G>A

Gene: COL11A2 (collagen type XI alpha 2 chain; minus strand). Cytogenetic location: 6p21.32.
Variant type: single nucleotide variant.
Coding change: c.2016+5G>A on transcript NM_080680.3 (MANE Select); 5 bases into the intron after coding-DNA position 2016, G replaced by A.
Molecular consequence: intron variant.
Genome position (GRCh38, 1-based): chr6:33,177,176, C>T on the plus strand (G>A on the coding strand, the complement: COL11A2 is on the minus strand). VCF-style: chr6-33177176-C-T. GRCh37 (hg19) VCF-style: chr6-33144953-C-T.
Other names: c.1695+5G>A (NM_080679.3); c.1758+5G>A (NM_080681.3).
Identifiers: ClinVar variation 1433780 (VCV001433780.6), dbSNP rs931061964, ClinGen allele CA137072229.

ClinVar aggregate classification (germline): Uncertain significance (1 of 4 stars; one submission).

Allele frequency attached by ClinVar (database versions not stated): gnomAD exomes below 0.00001 and 0.00001; TOPMed 0.00002; gnomAD 0.00005.
gnomAD v4.1: 11 of 1,612,966 alleles (0.00068%); highest among the groups gnomAD compares: African/African-American, 0.0093%; no homozygotes.

Submission:

Labcorp Genetics (formerly Invitae), Labcorp
Classification: Uncertain significance. Last evaluated: 2025-04-10. Review status: criteria provided, single submitter. Criteria: Invitae Variant Classification Sherloc (09022015). Collection method: clinical testing. Allele origin: germline.
Comment: This sequence change falls in intron 24 of the COL11A2 gene. It does not directly change the encoded amino acid sequence of the COL11A2 protein. It affects a nucleotide within the consensus splice site. This variant is present in population databases (no rsID available, gnomAD 0.02%). This variant has not been reported in the literature in individuals affected with COL11A2-related conditions. ClinVar contains an entry for this variant (Variation ID: 1433780). Variants that disrupt the consensus splice site are a relatively common cause of aberrant splicing (PMID: 17576681, 9536098). Algorithms developed to predict the effect of sequence changes on RNA splicing suggest that this variant is not likely to affect RNA splicing. In summary, the available evidence is currently insufficient to determine the role of this variant in disease. Therefore, it has been classified as a Variant of Uncertain Significance.

Literature cited by the submitters: PubMed 17576681; PubMed 9536098.